The following is an entry in ClinVar:

ClinVar aggregate classification (germline): Uncertain significance. Review status: criteria provided, multiple submitters, no conflicts (2 of 4 stars). 3 submissions from 3 submitters: Uncertain significance (3). Last evaluated 2025-08-06.

Conditions:
Developmental and epileptic encephalopathy, 42 (DEE42A). Also called: Epileptic encephalopathy, early infantile, 42; DEVELOPMENTAL AND EPILEPTIC ENCEPHALOPATHY 42A; EPILEPTIC ENCEPHALOPATHY, EARLY INFANTILE, 42A. Identifiers: MedGen C4310716, MONDO:0014917, OMIM 617106.
Episodic ataxia type 2 (EA2). Also called: ATAXIA, EPISODIC, WITH NYSTAGMUS; ATAXIA, FAMILIAL PAROXYSMAL; CEREBELLAR ATAXIA, PAROXYSMAL, ACETAZOLAMIDE-RESPONSIVE; CEREBELLOPATHY, HEREDITARY PAROXYSMAL; EPISODIC ATAXIA, NYSTAGMUS-ASSOCIATED; ACETAZOLAMIDE-RESPONSIVE HEREDITARY PAROXYSMAL CEREBELLAR ATAXIA. Identifiers: Orphanet 97, MedGen C1720416, MONDO:0007163, OMIM 108500.

Allele frequency attached by ClinVar (database versions not stated): gnomAD 0.00001; gnomAD exomes 0.00001; TOPMed 0.00001; ExAC 0.00003.
gnomAD v4.1: 10 of 1,560,284 alleles (0.00064%); highest among the groups gnomAD compares: Admixed American, 0.0018%; no homozygotes.

Submissions (3):

GeneDx
Classification: Uncertain significance. Last evaluated: 2025-08-06. Review status: criteria provided, single submitter. Criteria: GeneDx Variant Classification Process June 2021. Collection method: clinical testing. Allele origin: germline. Affected: yes.
Comment: Not observed at significant frequency in large population cohorts (gnomAD); In silico analysis suggests that this missense variant does not alter protein structure/function; Has not been previously published as pathogenic or benign to our knowledge

Labcorp Genetics (formerly Invitae), Labcorp
Classification: Uncertain significance for Developmental and epileptic encephalopathy, 42; Episodic ataxia type 2. Last evaluated: 2024-10-22. Review status: criteria provided, single submitter. Criteria: Invitae Variant Classification Sherloc (09022015). Collection method: clinical testing. Allele origin: germline.
Comment: This sequence change replaces arginine, which is basic and polar, with cysteine, which is neutral and slightly polar, at codon 944 of the CACNA1A protein (p.Arg944Cys). The frequency data for this variant in the population databases is considered unreliable, as metrics indicate poor data quality at this position in the gnomAD database. This variant has not been reported in the literature in individuals affected with CACNA1A-related conditions. ClinVar contains an entry for this variant (Variation ID: 850447). Invitae Evidence Modeling of protein sequence and biophysical properties (such as structural, functional, and spatial information, amino acid conservation, physicochemical variation, residue mobility, and thermodynamic stability) indicates that this missense variant is not expected to disrupt CACNA1A protein function with a negative predictive value of 95%. In summary, the available evidence is currently insufficient to determine the role of this variant in disease. Therefore, it has been classified as a Variant of Uncertain Significance.

CeGaT Center for Human Genetics Tuebingen
Classification: Uncertain significance. Last evaluated: 2023-06-01. Review status: criteria provided, single submitter. Criteria: CeGaT Center For Human Genetics Tuebingen Variant Classification Criteria Version 2. Collection method: clinical testing. Allele origin: germline. Affected: yes. Observed: 1 variant allele.
Comment: CACNA1A: PP2, PP3

NM_001127222.2(CACNA1A):c.2827C>T (p.Arg943Cys)

Gene: CACNA1A (calcium voltage-gated channel subunit alpha1 A; minus strand). Cytogenetic location: 19p13.13.
Variant type: single nucleotide variant.
Coding change: c.2827C>T on transcript NM_001127222.2 (MANE Select); coding-DNA position 2827, C replaced by T.
Protein change: p.Arg943Cys; replaces arginine 943 with cysteine.
Molecular consequence: missense variant.
Genome position (GRCh38, 1-based): chr19:13,298,806, G>A on the plus strand (C>T on the coding strand, the complement: CACNA1A is on the minus strand). VCF-style: chr19-13298806-G-A. GRCh37 (hg19) VCF-style: chr19-13409620-G-A.
Other names: c.2839C>T, p.Arg947Cys (NM_000068.4, NM_023035.3); c.2830C>T, p.Arg944Cys (NM_001127221.2, NM_001174080.2); short protein forms R943C, R947C, R944C.
Identifiers: ClinVar variation 850447 (VCV000850447.40), dbSNP rs754979047, ClinGen allele CA9240464.